The following is an entry in ClinVar:

NM_014795.4(ZEB2):c.73+3569T>C

Gene: ZEB2 (zinc finger E-box binding homeobox 2; minus strand). Cytogenetic location: 2q22.3.
Variant type: single nucleotide variant.
Coding change: c.73+3569T>C on transcript NM_014795.4 (MANE Select); 3569 bases into the intron after coding-DNA position 73, T replaced by C.
Molecular consequence: intron variant. On other transcripts: non-coding transcript variant (1).
Genome position (GRCh38, 1-based): chr2:144,513,709, A>G on the plus strand (T>C on the coding strand, the complement: ZEB2 is on the minus strand). VCF-style: chr2-144513709-A-G. GRCh37 (hg19) VCF-style: chr2-145271276-A-G.
Other names: c.73+3569T>C (NM_001171653.2).
Identifiers: ClinVar variation 2651398 (VCV002651398.24), dbSNP rs1010516932, ClinGen allele CA57809477.

ClinVar aggregate classification (germline): Likely benign (1 of 4 stars; one submission).

Allele frequency attached by ClinVar (database versions not stated): gnomAD 0.00003; gnomAD exomes 0.00003; TOPMed 0.00003.
gnomAD v4.1: 46 of 1,535,900 alleles (0.003%); highest among the groups gnomAD compares: Non-Finnish European, 0.0037%; no homozygotes.

Submission:

CeGaT Center for Human Genetics Tuebingen
Classification: Likely benign. Last evaluated: 2024-08-01. Review status: criteria provided, single submitter. Criteria: CeGaT Center For Human Genetics Tuebingen Variant Classification Criteria Version 2. Collection method: clinical testing. Allele origin: germline. Affected: yes. Observed: 1 variant allele.
Comment: ZEB2: BP4, BP7